The following is an entry in ClinVar:

ClinVar aggregate classification (germline): Pathogenic/Likely pathogenic. Review status: criteria provided, multiple submitters, no conflicts (2 of 4 stars). 2 submissions from 2 submitters: Pathogenic (1); Likely pathogenic (1). Last evaluated 2026-09-01.

Conditions:
Plasma factor XI deficiency.
Hereditary factor XI deficiency disease. Also called: PLASMA THROMBOPLASTIN ANTECEDENT DEFICIENCY; PTA DEFICIENCY; ROSENTHAL SYNDROME; Congenital factor XI deficiency. Identifiers: Orphanet 329, MedGen C0015523, MeSH D005173, MONDO:0012897, OMIM 612416.

gnomAD v4.1: 8 of 1,604,310 alleles (0.0005%); highest among the groups gnomAD compares: East Asian, 0.013%; no homozygotes.

Submissions (2):

Myriad Genetics, Inc.
Classification: Likely pathogenic for Hereditary factor XI deficiency disease. Last evaluated: 2026-09-01. Review status: criteria provided, single submitter. Criteria: Myriad Autosomal Dominant, Autosomal Recessive and X-Linked Classification Criteria (2023). Collection method: clinical testing. Allele origin: unknown.
Comment: NM_000128.3(F11):c.1135+1G>A is a variant in a canonical splice site classified as likely pathogenic in the context of factor XI deficiency. c.1135+1G>A has been observed in a case with relevant disease (PMID: 21668437). Relevant functional assessments of this variant are not available in the literature. c.1135+1G>A has been observed in referenced population frequency databases. In summary, NM_000128.3(F11):c.1135+1G>A is a variant in a canonical splice site in a gene where loss of function is a known mechanism of disease, is predicted to disrupt protein function, and has been observed more frequently in cases with the relevant disease than in healthy populations. Please note: this variant was assessed in the context of healthy population screening.

Natera, Inc.
Classification: Pathogenic for Plasma factor XI deficiency. Last evaluated: 2024-09-13. Review status: criteria provided, single submitter. Criteria: Natera Variant Classification Schema (03/2026). Collection method: clinical testing. Allele origin: germline.
Comment: The c.1135+1G>A variant in F11 is a canonical splice donor site variant predicted to affect pre-mRNA splicing, which may result in an abnormal transcript and altered protein product. This variant is expected to result in nonsense mediated decay, truncation, or a dysfunctional protein product. This variant is rare in the general population with a frequency below the threshold expected for the associated phenotype(s). This variant has been observed in one or more individuals affected with the associated recessive disease, as either homozygous or compound heterozygous with a second variant (PMID: 21668437). Given the available evidence, this variant is classified as Pathogenic.

Literature cited by the submitters: PubMed 21668437 (cited by Myriad Genetics, Inc. and Natera, Inc.).

NM_000128.4(F11):c.1135+1G>A

Gene: F11 (coagulation factor XI; plus strand). Cytogenetic location: 4q35.2.
Variant type: single nucleotide variant.
Coding change: c.1135+1G>A on transcript NM_000128.4 (MANE Select); the canonical splice donor site of the intron after coding-DNA position 1135, G replaced by A.
Molecular consequence: splice donor variant.
Genome position (GRCh38, 1-based): chr4:186,280,581, G>A. VCF-style: chr4-186280581-G-A. GRCh37 (hg19) VCF-style: chr4-187201735-G-A.
Other names: c.1135+1G>A (NM_000128.3).
Identifiers: ClinVar variation 4817481 (VCV004817481.2).